The following is an entry in ClinVar:

NM_000719.7(CACNA1C):c.3049-10C>T

Gene: CACNA1C (calcium voltage-gated channel subunit alpha1 C; plus strand). Cytogenetic location: 12p13.33.
Variant type: single nucleotide variant.
Coding change: c.3049-10C>T on transcript NM_000719.7 (MANE Select); 10 bases into the intron before coding-DNA position 3049, C replaced by T.
Molecular consequence: intron variant.
Genome position (GRCh38, 1-based): chr12:2,605,669, C>T. VCF-style: chr12-2605669-C-T. GRCh37 (hg19) VCF-style: chr12-2714835-C-T.
Other names: c.3049-10C>T (NM_001167624.3, NM_001167623.2, NM_001167625.2 and 15 more transcripts); c.3109-10C>T (NM_199460.4, NM_001129827.2, NM_001129832.2); c.3040-10C>T (NM_001129844.2).
Identifiers: ClinVar variation 166769 (VCV000166769.59), dbSNP rs186741807, ClinGen allele CA233581.

ClinVar aggregate classification (germline): Conflicting classifications of pathogenicity. Review status: criteria provided, conflicting classifications (1 of 4 stars). 12 submissions from 12 submitters: Uncertain significance (1); Benign (5); Likely benign (3). 3 of the submissions do not count toward it. Last evaluated 2026-09-21.

Conditions:
CACNA1C-related disorder. Also called: CACNA1C-related disorders; CACNA1C-related condition. Identifiers: MedGen CN381092, MONDO:0700321.
Long QT syndrome (LQTS). Identifiers: MedGen C0023976, MeSH D008133, MONDO:0002442. Disease mechanism: loss of function. Inheritance: Various modes of inheritance.
Congestive heart failure. Identifiers: MedGen C0018802, MONDO:0005009, HP:0001635.

Allele frequency attached by ClinVar (database versions not stated): gnomAD exomes 0.00068 and 0.00118; ESP Exome Variant Server 0.00077; gnomAD 0.00093 and 0.00094; 1000 Genomes Project 30x 0.00094; TOPMed 0.00112; ExAC 0.00117; 1000 Genomes Project 0.00120.
gnomAD v4.1: 1,198 of 1,606,636 alleles (0.075%); highest among the groups gnomAD compares: Middle Eastern, 1.1%; 3 homozygotes.

Submissions (12):

Molecular Diagnostic Laboratory for Inherited Cardiovascular Disease, Montreal Heart Institute
Classification: Benign. Last evaluated: 2026-09-21. Review status: criteria provided, single submitter. Criteria: ACMG Guidelines, 2015. Collection method: clinical testing. Allele origin: germline. Affected: no.
Comment: BS1

CeGaT Center for Human Genetics Tuebingen
Classification: Likely benign. Last evaluated: 2026-08-01. Review status: criteria provided, single submitter. Criteria: CeGaT Center For Human Genetics Tuebingen Variant Classification Criteria Version 2. Collection method: clinical testing. Allele origin: germline. Affected: yes. Observed: 7 variant alleles.
Comment: CACNA1C: BS1

Labcorp Genetics (formerly Invitae), Labcorp
Classification: Benign for Long QT syndrome. Last evaluated: 2026-02-01. Review status: criteria provided, single submitter. Criteria: Invitae Variant Classification Sherloc (09022015). Collection method: clinical testing. Allele origin: germline.

ARUP Laboratories, Molecular Genetics and Genomics, ARUP Laboratories
Classification: Benign. Last evaluated: 2025-04-28. Review status: criteria provided, single submitter. Criteria: ARUP Molecular Germline Variant Investigation Process 2024. Collection method: clinical testing. Allele origin: germline.

Blueprint Genetics
Classification: Likely benign. Last evaluated: 2024-11-12. Review status: criteria provided, single submitter. Criteria: ACMG Guidelines, 2015. Collection method: clinical testing. Allele origin: germline.

Center for Advanced Laboratory Medicine, UC San Diego Health, University of California San Diego
Classification: Likely benign for Congestive heart failure. Last evaluated: 2019-04-09. Review status: criteria provided, single submitter. Criteria: ACMG Guidelines, 2015. Collection method: clinical testing. Allele origin: germline. Affected: yes. Observed: 1 variant allele.

Women's Health and Genetics/Laboratory Corporation of America, LabCorp
Classification: Benign. Last evaluated: 2017-07-03. Review status: criteria provided, single submitter. Criteria: LabCorp Variant Classification Summary - May 2015. Collection method: clinical testing. Allele origin: germline.
Comment: Variant summary: c.3049-10>T in CACNA1C gene is an intronic change that involves a non-conserved nucleotide. 5/5 programs in Alamut predict that this variant does not affect a normal splicing, however no functional studies supporting this notion were published at the time of evaluation. The variant is present in the control population dataset of ExAC at frequency of 0.001174 (142/120926 chrs tested), including 1 homozygote. The observed frequency exceeds the maximum expected allele frequency for a pathogenic variant of 0.00001, suggesting that it is a common polymorphism. The variant of interest has not, to our knowledge, been reported in affected individuals in published reports but is cited as Likely Benign/Benign by reputable databases/clinical laboratory. Taking together the variant was classified as Benign.

GeneDx
Classification: Benign. Last evaluated: 2015-03-03. Review status: criteria provided, single submitter. Criteria: GeneDx Variant Classification Process June 2021. Collection method: clinical testing. Allele origin: germline. Affected: yes.

Eurofins Ntd Llc (ga)
Classification: Uncertain significance. Last evaluated: 2014-11-03. Review status: criteria provided, single submitter. Criteria: EGL Classification Definitions 2015. Collection method: clinical testing. Allele origin: germline. Observed: 3 variant alleles, 3 heterozygotes.

PreventionGenetics, part of Exact Sciences
Classification: Benign for CACNA1C-related condition. Last evaluated: 2019-07-23. Review status: no assertion criteria provided. Collection method: clinical testing. Allele origin: germline. Not counted in ClinVar's aggregate classification.
Comment: This variant is classified as benign based on ACMG/AMP sequence variant interpretation guidelines (Richards et al. 2015 PMID: 25741868, with internal and published modifications).

Clinical Genetics, Academic Medical Center
Classification: Benign. Review status: no assertion criteria provided. Collection method: clinical testing. Allele origin: germline. Affected: yes. Study: VKGL Data-share Consensus. Not counted in ClinVar's aggregate classification.

Joint Genome Diagnostic Labs from Nijmegen and Maastricht, Radboudumc and MUMC+
Classification: Benign. Review status: no assertion criteria provided. Collection method: clinical testing. Allele origin: germline. Affected: yes. Study: VKGL Data-share Consensus. Not counted in ClinVar's aggregate classification.